The following is an entry in ClinVar:

ClinVar aggregate classification (germline): Uncertain significance. Review status: criteria provided, multiple submitters, no conflicts (2 of 4 stars). 2 submissions from 2 submitters: Uncertain significance (2). Last evaluated 2025-10-29.

Conditions:
Inborn genetic diseases. Identifiers: MedGen C0950123, MeSH D030342.
Intellectual developmental disorder with autistic features and language delay, with or without seizures. Identifiers: MedGen C5394447, MONDO:0030051, OMIM 618906.

Allele frequency attached by ClinVar (database versions not stated): gnomAD 0.00001; 1000 Genomes Project 30x 0.00016; 1000 Genomes Project 0.00020; ExAC 0.00006.
gnomAD v4.1: 17 of 1,601,678 alleles (0.0011%); highest among the groups gnomAD compares: South Asian, 0.019%; no homozygotes.

Submissions (2):

Ambry Genetics
Classification: Uncertain significance for Inborn genetic diseases. Last evaluated: 2025-10-29. Review status: criteria provided, single submitter. Criteria: Ambry Variant Classification Scheme 2023. Collection method: clinical testing. Allele origin: germline.

Neuberg Centre For Genomic Medicine, NCGM
Classification: Uncertain significance for Intellectual developmental disorder with autistic features and language delay, with or without seizures. Review status: criteria provided, single submitter. Criteria: ACMG Guidelines, 2015. Collection method: clinical testing. Allele origin: germline. Inheritance: Autosomal dominant inheritance. Affected: yes.
Comment: The missense variant c.4219G>A (p.Val1407Ile) in TANC2 gene has not been reported previously as a pathogenic variant nor as a benign variant, to our knowledge. The p.Val1407Ile variant has allele frequency 0.001% in gnomAD exomes and novel (not in any individuals) in 1000 Genomes. This variant has not been reported to the ClinVar database. The amino acid Val at position 1407 is changed to a Ile changing protein sequence and it might alter its composition and physico-chemical properties. The p.Val1407Ile variant is novel (not in any individuals) in 1000 Genomes. For these reasons, this variant has been classified as Uncertain Significance (VUS).

NM_001394998.1(TANC2):c.4471G>A (p.Val1491Ile)

Gene: TANC2 (tetratricopeptide repeat, ankyrin repeat and coiled-coil containing 2; plus strand). Cytogenetic location: 17q23.3.
Variant type: single nucleotide variant.
Coding change: c.4471G>A on transcript NM_001394998.1 (MANE Select); coding-DNA position 4471, G replaced by A.
Protein change: p.Val1491Ile; replaces valine 1491 with isoleucine.
Molecular consequence: missense variant.
Genome position (GRCh38, 1-based): chr17:63,420,201, G>A. VCF-style: chr17-63420201-G-A. GRCh37 (hg19) VCF-style: chr17-61497562-G-A.
Other names: c.4219G>A (NM_025185.3); c.4249G>A, p.Val1417Ile (NM_001411076.1); c.4219G>A, p.Val1407Ile (NM_025185.4); short protein forms V1407I, V1491I, V1417I.
Identifiers: ClinVar variation 2584887 (VCV002584887.2), dbSNP rs550952516, ClinGen allele CA8698249.
Genomic context (GRCh38, chr17:63,420,201, plus strand): 5'-CCTCAGCAGCAGTTGCCGGAAGAAGCAGAACCTGAGCCACAGCATGAAGACATATACTCT[G>A]TACAGGATATATTCGAGGAGGAGTACCTGGAACAGGATGTTGAAAATGTTTCCATTGGCC-3'
Protein context (NP_001381927.1, residues 1481-1501): PEPQHEDIYS[Val1491Ile]QDIFEEEYLE